The following is an entry in ClinVar:

ClinVar aggregate classification (germline): Likely pathogenic (1 of 4 stars; one submission).

Conditions:
Dilated cardiomyopathy 1G (CMD1G). Identifiers: Orphanet 154, MedGen C1858763, MONDO:0011400, OMIM 604145.
Autosomal recessive limb-girdle muscular dystrophy type 2J (LGMDR10). Also called: Limb-girdle muscular dystrophy, type 2J; MUSCULAR DYSTROPHY, LIMB-GIRDLE, AUTOSOMAL RECESSIVE 10. Identifiers: Orphanet 140922, MedGen C1837342, MONDO:0012127, OMIM 608807.

Submission:

Labcorp Genetics (formerly Invitae), Labcorp
Classification: Likely pathogenic for Dilated cardiomyopathy 1G; Autosomal recessive limb-girdle muscular dystrophy type 2J. Last evaluated: 2024-09-01. Review status: criteria provided, single submitter. Criteria: Invitae Variant Classification Sherloc (09022015). Collection method: clinical testing. Allele origin: germline.
Comment: This sequence change creates a premature translational stop signal (p.Tyr26889*) in the TTN gene. While this is not anticipated to result in nonsense mediated decay, it is expected to create a truncated TTN protein. This variant is not present in population databases (gnomAD no frequency). This variant has not been reported in the literature in individuals affected with TTN-related conditions. This variant is located in the A band of TTN (PMID: 25589632). Truncating variants in this region are significantly overrepresented in patients affected with dilated cardiomyopathy (PMID: 25589632). Truncating variants in this region have also been reported in individuals affected with autosomal recessive centronuclear myopathy (PMID: 23975875). In summary, the currently available evidence indicates that the variant is pathogenic, but additional data are needed to prove that conclusively. Therefore, this variant has been classified as Likely Pathogenic.

Literature cited by the submitters: PubMed 25589632; PubMed 23975875.

NM_001267550.2(TTN):c.80667del (p.Thr26888_Tyr26889insTer)

Genes: TTN-AS1 (TTN antisense RNA 1; plus strand), TTN (titin; minus strand). Cytogenetic location: 2q31.2.
Variant type: Deletion.
Coding change: c.80667del on transcript NM_001267550.2 (MANE Select); coding-DNA position 80667, one base deleted (T; older notation c.80667delT).
Protein change: p.Thr26888_Tyr26889insTer.
Molecular consequence: nonsense.
Genome position (GRCh38, 1-based): chr2:178,565,465, A deleted on the plus strand (T on the coding strand, the reverse complement: TTN is on the minus strand). VCF-style (leftmost placement, unchanged base first): chr2-178565464-TA-T. GRCh37 (hg19) VCF-style: chr2-179430191-TA-T.
Other names: c.75744del, p.Thr25247_Tyr25248insTer (NM_001256850.1); c.53472del, p.Thr17823_Tyr17824insTer (NM_003319.4); c.72963del, p.Thr24320_Tyr24321insTer (NM_133378.4); c.53847del, p.Thr17948_Tyr17949insTer (NM_133432.3); c.54048del, p.Thr18015_Tyr18016insTer (NM_133437.4).
Identifiers: ClinVar variation 3756217 (VCV003756217.2).